The following is an entry in ClinVar:

ClinVar aggregate classification (germline): Benign. Review status: criteria provided, multiple submitters, no conflicts (2 of 4 stars). 3 submissions from 3 submitters: Benign (2). 1 of the submissions does not count toward it. Last evaluated 2019-01-10.

Conditions:
NDRG4-related disorder. Also called: NDRG4-related condition.

Allele frequency attached by ClinVar (database versions not stated): gnomAD 0.67174 and 0.67845; TOPMed 0.69136; ESP Exome Variant Server 0.65412; gnomAD exomes 0.66104; ExAC 0.66294; 1000 Genomes Project 0.81430; 1000 Genomes Project 30x 0.81496.
gnomAD v4.1: 938,137 of 1,612,740 alleles (58%); highest among the groups gnomAD compares: East Asian, 97%; 285,596 homozygotes.

Submissions (3):

GeneDx
Classification: Benign. Last evaluated: 2019-01-10. Review status: criteria provided, single submitter. Criteria: GeneDx Variant Classification Process June 2021. Collection method: clinical testing. Allele origin: germline. Affected: yes.

Breakthrough Genomics
Classification: Benign. Review status: criteria provided, single submitter. Criteria: ACMG Guidelines, 2015. Collection method: not provided. Allele origin: germline. Inheritance: Unknown mechanism. Affected: yes.

PreventionGenetics, part of Exact Sciences
Classification: Benign for NDRG4-related condition. Last evaluated: 2019-10-17. Review status: no assertion criteria provided. Collection method: clinical testing. Allele origin: germline. Not counted in ClinVar's aggregate classification.
Comment: This variant is classified as benign based on ACMG/AMP sequence variant interpretation guidelines (Richards et al. 2015 PMID: 25741868, with internal and published modifications).

NM_001242835.2(NDRG4):c.1005A>G (p.Ser335=)

Gene: NDRG4 (NDRG family member 4; plus strand). Cytogenetic location: 16q21.
Variant type: single nucleotide variant.
Coding change: c.1005A>G on transcript NM_001242835.2 (MANE Select); coding-DNA position 1005, A replaced by G.
Protein change: p.Ser335=; no amino-acid change (serine 335 retained).
Molecular consequence: synonymous variant. On other transcripts: non-coding transcript variant (1).
Genome position (GRCh38, 1-based): chr16:58,511,522, A>G. VCF-style: chr16-58511522-A-G. GRCh37 (hg19) VCF-style: chr16-58545426-A-G.
Other names: c.1122A>G, p.Ser374= (NM_001130487.2); c.1056A>G, p.Ser352= (NM_001242833.2); c.1020A>G, p.Ser340= (NM_001242834.2); c.966A>G, p.Ser322= (NM_001242836.2); c.801A>G, p.Ser267= (NM_001363869.2); c.1251A>G, p.Ser417= (NM_001378332.1); c.1215A>G, p.Ser405= (NM_001378333.1); c.1212A>G, p.Ser404= (NM_001378334.1); and 10 more.
Identifiers: ClinVar variation 1282475 (VCV001282475.4), dbSNP rs42945, ClinGen allele CA8087823.